The following is an entry in ClinVar:

NM_001458.5(FLNC):c.6860C>T (p.Thr2287Met)

Genes: FLNC-AS1 (FLNC antisense RNA 1; minus strand), FLNC (filamin C; plus strand). Cytogenetic location: 7q32.1.
Variant type: single nucleotide variant.
Coding change: c.6860C>T on transcript NM_001458.5 (MANE Select); coding-DNA position 6860, C replaced by T.
Protein change: p.Thr2287Met; replaces threonine 2287 with methionine.
Molecular consequence: missense variant.
Genome position (GRCh38, 1-based): chr7:128,854,545, C>T. VCF-style: chr7-128854545-C-T. GRCh37 (hg19) VCF-style: chr7-128494599-C-T.
Other names: c.6761C>T, p.Thr2254Met (NM_001127487.2); short protein forms T2254M, T2287M.
Identifiers: ClinVar variation 1002489 (VCV001002489.11), dbSNP rs1434865362, ClinGen allele CA369213964.

ClinVar aggregate classification (germline): Conflicting classifications of pathogenicity. Review status: criteria provided, conflicting classifications (1 of 4 stars). 2 submissions from 2 submitters: Uncertain significance (1); Likely benign (1). Last evaluated 2025-12-09.

Conditions:
Cardiovascular phenotype. Identifiers: MedGen CN230736.
Myofibrillar myopathy 5. Also called: Filaminopathy (type); FILAMINOPATHY, AUTOSOMAL DOMINANT. Identifiers: Orphanet 171445, MedGen C1836050, MONDO:0012289, OMIM 609524.
Distal myopathy with posterior leg and anterior hand involvement. Also called: WILLIAMS DISTAL MYOPATHY. Identifiers: Orphanet 63273, MedGen C3279722, MONDO:0013550, OMIM 614065.
Hypertrophic cardiomyopathy 26. Also called: Cardiomyopathy, familial hypertrophic, 26. Identifiers: Orphanet 75249, MedGen C4310749, MONDO:0014883, OMIM 617047.

Allele frequency attached by ClinVar (database versions not stated): gnomAD exomes below 0.00001; TOPMed 0.00002.
gnomAD v4.1: 10 of 1,607,400 alleles (0.00062%); highest among the groups gnomAD compares: African/African-American, 0.0027%; no homozygotes.

Submissions (2):

Labcorp Genetics (formerly Invitae), Labcorp
Classification: Likely benign for Distal myopathy with posterior leg and anterior hand involvement; Myofibrillar myopathy 5; Hypertrophic cardiomyopathy 26. Last evaluated: 2025-12-09. Review status: criteria provided, single submitter. Criteria: Invitae Variant Classification Sherloc (09022015). Collection method: clinical testing. Allele origin: germline.

Ambry Genetics
Classification: Uncertain significance for Cardiovascular phenotype. Last evaluated: 2023-12-03. Review status: criteria provided, single submitter. Criteria: Ambry Variant Classification Scheme 2023. Collection method: clinical testing. Allele origin: germline.
Comment: The p.T2287M variant (also known as c.6860C>T), located in coding exon 41 of the FLNC gene, results from a C to T substitution at nucleotide position 6860. The threonine at codon 2287 is replaced by methionine, an amino acid with similar properties. This amino acid position is conserved. In addition, the in silico prediction for this alteration is inconclusive. Since supporting evidence is limited at this time, the clinical significance of this alteration remains unclear.